The following is an entry in ClinVar:

ClinVar aggregate classification (germline): Uncertain significance (1 of 4 stars; one submission).

Submission:

GeneDx
Classification: Uncertain significance. Last evaluated: 2023-10-23. Review status: criteria provided, single submitter. Criteria: GeneDx Variant Classification Process June 2021. Collection method: clinical testing. Allele origin: germline. Affected: yes.
Comment: Not observed at significant frequency in large population cohorts (gnomAD); In silico analysis supports that this variant does not alter splicing; Has not been previously published as pathogenic or benign to our knowledge

NM_001903.5(CTNNA1):c.859-10_859-9del

Gene: CTNNA1 (catenin alpha 1; plus strand). Cytogenetic location: 5q31.2.
Variant type: Deletion.
Coding change: c.859-10_859-9del on transcript NM_001903.5 (MANE Select); 10 bases into the intron before coding-DNA position 859 through 9 bases into the intron before coding-DNA position 859, 2 bases deleted (TT; older notation c.859-10_859-9delTT).
Molecular consequence: intron variant.
Genome position (GRCh38, 1-based): chr5:138,827,505-138,827,506, TT deleted; deleting any 2 consecutive bases within chr5:138,827,504-138,827,506 gives the same sequence; the c. name uses the placement nearest the transcript's 3' end. VCF-style (leftmost placement, unchanged base first): chr5-138827503-CTT-C. GRCh37 (hg19) VCF-style: chr5-138163192-CTT-C.
Other names: c.859-10_859-9del (NM_001323982.2, NM_001323984.2, NM_001290307.3 and 3 more transcripts); c.490-10_490-9del (NM_001290310.3); c.550-10_550-9del (NM_001290309.3).
Identifiers: ClinVar variation 3366187 (VCV003366187.1).
Genomic context (GRCh38, chr5:138,827,503, plus strand): 5'-AACACTTTTCTCACCTTGAATAAAGAAGGGAACAGAGATGAGTACTAACATTCGGTAATA[CTT>C]TCTCTGCAGAAACAAATCATTGTGGACCCCTTGAGCTTCAGCGAGGAGCGCTTTAGGCCT-3'